The following is an entry in ClinVar:

ClinVar aggregate classification (germline): Uncertain significance. Review status: criteria provided, multiple submitters, no conflicts (2 of 4 stars). 4 submissions from 4 submitters: Uncertain significance (4). Last evaluated 2025-08-17.

Conditions:
TTN-related disorder. Also called: TTN-related condition; TTN-related disease; TTN-related disorders.
Cardiovascular phenotype. Identifiers: MedGen CN230736.

Allele frequency attached by ClinVar (database versions not stated): gnomAD 0.00001; ExAC 0.00003; gnomAD exomes 0.00003 and 0.00006; TOPMed 0.00004.
gnomAD v4.1: 49 of 1,613,720 alleles (0.003%); highest among the groups gnomAD compares: Non-Finnish European, 0.00051%; no homozygotes.

Submissions (4):

PreventionGenetics, part of Exact Sciences
Classification: Uncertain significance for TTN-related condition. Last evaluated: 2025-08-17. Review status: criteria provided, single submitter. Criteria: ACMG Guidelines, 2015. Collection method: clinical testing. Allele origin: germline.
Comment: The TTN c.104353G>C variant is predicted to result in the amino acid substitution p.Glu34785Gln. To our knowledge, this variant has not been reported in the literature. This variant is reported in 0.12% of alleles in individuals of Ashkenazi Jewish descent in gnomAD. Although we suspect that this variant may be benign, at this time, the clinical significance of this variant is uncertain due to the absence of conclusive functional and genetic evidence.

Ambry Genetics
Classification: Uncertain significance for Cardiovascular phenotype. Last evaluated: 2019-07-17. Review status: criteria provided, single submitter. Criteria: Ambry Variant Classification Scheme 2023. Collection method: clinical testing. Allele origin: germline.
Comment: The p.E25720Q variant (also known as c.77158G>C), located in coding exon 185 of the TTN gene, results from a G to C substitution at nucleotide position 77158. The glutamic acid at codon 25720 is replaced by glutamine, an amino acid with highly similar properties. This amino acid position is not well conserved in available vertebrate species. In addition, this alteration is predicted to be tolerated by in silico analysis. Since supporting evidence is limited at this time, the clinical significance of this alteration remains unclear.

Athena Diagnostics
Classification: Uncertain significance. Last evaluated: 2017-04-10. Review status: criteria provided, single submitter. Criteria: Athena Diagnostics Criteria. Collection method: clinical testing. Allele origin: germline.

GeneDx
Classification: Uncertain significance. Last evaluated: 2016-08-22. Review status: criteria provided, single submitter. Criteria: GeneDx Variant Classification (06012015). Collection method: clinical testing. Allele origin: germline. Affected: yes.
Comment: Missense variants in the TTN gene are considered 'unclassified' if they are not previously reported in the literature and do not have >1% frequency in the population to be considered a polymorphism. Research indicates that truncating mutations in the TTN gene are expected to account for approximately 25% of familial and 18% of sporadic idiopathic DCM; however, truncating variants in the TTN gene have been reported in approximately 3% of reported control alleles. There has been little investigation into non-truncating variants. (Herman D et al. Truncations of titin causing dilated cardiomyopathy. N Eng J Med 366:619-628, 2012) The variant is found in DCM panel(s).

NM_001267550.2(TTN):c.104353G>C (p.Glu34785Gln)

Genes: TTN-AS1 (TTN antisense RNA 1; plus strand), TTN (titin; minus strand). Cytogenetic location: 2q31.2.
Variant type: single nucleotide variant.
Coding change: c.104353G>C on transcript NM_001267550.2 (MANE Select); coding-DNA position 104353, G replaced by C.
Protein change: p.Glu34785Gln; replaces glutamic acid 34785 with glutamine.
Molecular consequence: missense variant.
Genome position (GRCh38, 1-based): chr2:178,532,262, C>G on the plus strand (G>C on the coding strand, the complement: TTN is on the minus strand). VCF-style: chr2-178532262-C-G. GRCh37 (hg19) VCF-style: chr2-179396989-C-G.
Other names: p.E33144Q:GAA>CAA; c.104353G>C (LRG_391t1); c.99430G>C, p.Glu33144Gln (NM_001256850.1); c.77158G>C, p.Glu25720Gln (NM_003319.4); c.96649G>C, p.Glu32217Gln (NM_133378.4); c.77533G>C, p.Glu25845Gln (NM_133432.3); c.77734G>C, p.Glu25912Gln (NM_133437.4); short protein forms E33144Q, E34785Q, E32217Q, E25720Q, E25845Q, E25912Q.
Identifiers: ClinVar variation 203079 (VCV000203079.5), dbSNP rs772532135, ClinGen allele CA311175.
Genomic context (GRCh38, chr2:178,532,262, plus strand): 5'-GCCTTGATTTCTTTCTAGACTTTTCCTCCTTTGACATGAAGTCAAGTTCGCTTTTGTATT[C>G]TGAGAGATGCTGGGTGGTCGTAACTGGGCGAAGCAACTCTTCATCCTCCCTCTCAGCCAT-3'
Protein context (NP_001254479.2, residues 34775-34795): RPVTTTQHLS[Glu34785Gln]YKSELDFMSK